The following is an entry in ClinVar:

ClinVar aggregate classification (germline): Uncertain significance (1 of 4 stars; one submission).

Conditions:
Hereditary insensitivity to pain with anhidrosis (CIPA). Also called: HSAN Type IV; NEUROPATHY, CONGENITAL SENSORY, WITH ANHIDROSIS; NTRK1 Congenital Insensitivity to Pain with Anhidrosis; INSENSITIVITY TO PAIN, CONGENITAL, WITH ANHIDROSIS; hereditary sensory and autonomic neuropathy type 4; FAMILIAL DYSAUTONOMIA, TYPE II. Identifiers: Orphanet 642, MedGen C0020074, MONDO:0009746, OMIM 256800.

gnomAD v4.1: 6 of 1,610,336 alleles (0.00037%); highest among the groups gnomAD compares: South Asian, 0.0011%; no homozygotes.

Submission:

Labcorp Genetics (formerly Invitae), Labcorp
Classification: Uncertain significance for Hereditary insensitivity to pain with anhidrosis. Last evaluated: 2022-07-06. Review status: criteria provided, single submitter. Criteria: Invitae Variant Classification Sherloc (09022015). Collection method: clinical testing. Allele origin: germline.
Comment: This sequence change replaces threonine, which is neutral and polar, with lysine, which is basic and polar, at codon 292 of the NTRK1 protein (p.Thr292Lys). This variant is not present in population databases (gnomAD no frequency). This variant has not been reported in the literature in individuals affected with NTRK1-related conditions. ClinVar contains an entry for this variant (Variation ID: 1430537). Advanced modeling of protein sequence and biophysical properties (such as structural, functional, and spatial information, amino acid conservation, physicochemical variation, residue mobility, and thermodynamic stability) performed at Invitae indicates that this missense variant is not expected to disrupt NTRK1 protein function. In summary, the available evidence is currently insufficient to determine the role of this variant in disease. Therefore, it has been classified as a Variant of Uncertain Significance.

NM_002529.4(NTRK1):c.875C>A (p.Thr292Lys)

Gene: NTRK1 (neurotrophic receptor tyrosine kinase 1; plus strand). Cytogenetic location: 1q23.1.
Variant type: single nucleotide variant.
Coding change: c.875C>A on transcript NM_002529.4 (MANE Select); coding-DNA position 875, C replaced by A.
Protein change: p.Thr292Lys; replaces threonine 292 with lysine.
Molecular consequence: missense variant.
Genome position (GRCh38, 1-based): chr1:156,873,657, C>A. VCF-style: chr1-156873657-C-A. GRCh37 (hg19) VCF-style: chr1-156843449-C-A.
Other names: c.785C>A, p.Thr262Lys (NM_001007792.1); c.875C>A, p.Thr292Lys (NM_001012331.2); short protein forms T262K, T292K.
Identifiers: ClinVar variation 1430537 (VCV001430537.3), dbSNP rs764645590, ClinGen allele CA342935521.